The following is an entry in ClinVar:

ClinVar aggregate classification (germline): Conflicting classifications of pathogenicity. Review status: criteria provided, conflicting classifications (1 of 4 stars). 12 submissions from 10 submitters: Likely pathogenic (1); Uncertain significance (11). Last evaluated 2026-04-22.

Conditions:
Cardiovascular phenotype. Identifiers: MedGen CN230736.
TNNT2-related disorder. Also called: TNNT2-related condition.
Dilated cardiomyopathy 1D. Identifiers: Orphanet 154, Orphanet 54260, MedGen C1832243, MONDO:0011095, OMIM 601494.
Cardiomyopathy, familial restrictive, 3. Identifiers: Orphanet 75249, MedGen C2676271, MONDO:0012900, OMIM 612422.
Hypertrophic cardiomyopathy 2. Also called: TNNT2-Related Familial Hypertrophic Cardiomyopathy. Identifiers: MedGen C1861864, MONDO:0007266, OMIM 115195.
Primary dilated cardiomyopathy (DCM). Also called: Dilated Cardiomyopathy. Identifiers: Orphanet 217604, MedGen C0007193, MeSH D002311, MONDO:0005021, HP:0001644. Inheritance: Various modes of inheritance.
Cardiomyopathy (CMYO). Also called: Cardiomyopathies. Identifiers: Orphanet 167848, MedGen C0878544, MONDO:0004994, HP:0001638. Inheritance: Various modes of inheritance.

Allele frequency attached by ClinVar (database versions not stated): gnomAD exomes below 0.00001 and 0.00001.
gnomAD v4.1: 8 of 1,612,636 alleles (0.0005%); highest among the groups gnomAD compares: East Asian, 0.0045%; no homozygotes.

Submissions (12):

PreventionGenetics, part of Exact Sciences
Classification: Uncertain significance for TNNT2-related condition. Last evaluated: 2026-04-22. Review status: criteria provided, single submitter. Criteria: ACMG Guidelines, 2015. Collection method: clinical testing. Allele origin: germline.
Comment: The TNNT2 c.451C>T variant is predicted to result in the amino acid substitution p.Arg151Cys. This variant has been reported in the homozygous state in an individual with idiopathic dilated cardiomyopathy; however, the variant was also found in the homozygous state in an asymptomatic sibling and in the heterozygous state in unaffected parents (Hershberger et al 2008. PubMed ID: 19412328; Hershberger et al. 2009. PubMed ID: 20031601). This variant has also been reported in individuals with left ventricular noncompaction, hypertrophic cardiomyopathy, or dilated cardiomyopathy (Table S1, Liu et al. 2020. PubMed ID: 31918855; described as p.Arg161Cys in Tables S8 and S9, McGurk et al. 2023. PubMed ID: 37652022). This variant is reported in 0.00089% of alleles in individuals of European (Non-Finnish) descent in gnomAD. At this time, the clinical significance of this variant is uncertain due to the absence of conclusive functional and genetic evidence.

Labcorp Genetics (formerly Invitae), Labcorp
Classification: Uncertain significance for Cardiomyopathy, familial restrictive, 3; Hypertrophic cardiomyopathy 2; Dilated cardiomyopathy 1D. Last evaluated: 2025-09-05. Review status: criteria provided, single submitter. Criteria: Invitae Variant Classification Sherloc (09022015). Collection method: clinical testing. Allele origin: germline.
Comment: This sequence change replaces arginine, which is basic and polar, with cysteine, which is neutral and slightly polar, at codon 151 of the TNNT2 protein (p.Arg151Cys). The frequency data for this variant in the population databases is considered unreliable, as metrics indicate poor data quality at this position in the gnomAD database. This missense change has been observed in individual(s) with dilated cardiomyopathy, hypertrophic cardiomyopathy, and/or left ventricular noncompaction (PMID: 20031601, 27532257, 31648988, 31918855, 31983221). ClinVar contains an entry for this variant (Variation ID: 537256). Invitae Evidence Modeling of protein sequence and biophysical properties (such as structural, functional, and spatial information, amino acid conservation, physicochemical variation, residue mobility, and thermodynamic stability) has been performed for this missense variant. However, the output from this modeling did not meet the statistical confidence thresholds required to predict the impact of this variant on TNNT2 protein function. In summary, the available evidence is currently insufficient to determine the role of this variant in disease. Therefore, it has been classified as a Variant of Uncertain Significance.

GeneDx
Classification: Uncertain significance. Last evaluated: 2025-02-19. Review status: criteria provided, single submitter. Criteria: GeneDx Variant Classification Process June 2021. Collection method: clinical testing. Allele origin: germline. Affected: yes.
Comment: Not observed at significant frequency in large population cohorts (gnomAD); In silico analysis supports that this missense variant has a deleterious effect on protein structure/function; Identified in patients with cardiomyopathy in published literature (PMID: 27532257, 31918855, 31983221, 31648988); This variant is associated with the following publications: (PMID: 22337857, 21483645, 20031601, 25649125, 27576561, 31918855, 32969603, 19914256, 28352236, 27074551, 29773157, 31983221, 30379622, 29367539, 31648988, 27532257, 19412328, 37652022)

All of Us Research Program, National Institutes of Health
Classification: Uncertain significance for Cardiomyopathy. Last evaluated: 2024-03-28. Review status: criteria provided, single submitter. Criteria: ACMG Guidelines, 2015. Collection method: clinical testing. Allele origin: germline. Inheritance: Autosomal dominant inheritance. Observed: 2 variant alleles, 2 heterozygotes.
Comment: This study involves interpretation of variants in research participants for the purpose of population health screening. Participant phenotype was not available at the time of variant classification. Additional details can be found in publication PMID: 35346344, PMCID: PMC8962531

Lildballe Lab, Aarhus University Hospital
Classification: Likely pathogenic for dilated cardiomyopathy. Last evaluated: 2024-03-01. Review status: criteria provided, single submitter. Criteria: ACMG Guidelines, 2015. Collection method: research. Allele origin: germline. Affected: yes.
Comment: PP2(m) PP1(m) PP3(sup)

Ambry Genetics
Classification: Uncertain significance for Cardiovascular phenotype. Last evaluated: 2023-06-21. Review status: criteria provided, single submitter. Criteria: Ambry Variant Classification Scheme 2023. Collection method: clinical testing. Allele origin: germline.
Comment: The p.R151C variant (also known as c.451C>T), located in coding exon 9 of the TNNT2 gene, results from a C to T substitution at nucleotide position 451. The arginine at codon 151 is replaced by cysteine, an amino acid with highly dissimilar properties. This variant has also been detected in DCM and hypertrophic cardiomyopathy genetic testing cohorts as well as a left ventricular noncompaction cohort; however, clinical details were limited (Walsh R et al. Genet. Med., 2017 02;19:192-203; Rieger AC et al. EBioMedicine, 2019 Oct;48:377-385; Liu S et al. Int J Cardiol. 2020 Mar;302:117-123; Mazzarotto F et al. Circulation. 2020 Feb;141(5):387-398). One study indicated this variant may impact protein function through altered calcium sensitivity, but the clinical impact of these findings has not been demonstrated (Hershberger RE et al. Circ Cardiovasc Genet, 2009 Aug;2:306-13). This amino acid position is well conserved in available vertebrate species. In addition, this alteration is predicted to be deleterious by in silico analysis. Since supporting evidence is limited at this time, the clinical significance of this alteration remains unclear.

Genome-Nilou Lab
Classification: Uncertain significance for Dilated cardiomyopathy 1D. Last evaluated: 2023-04-11. Review status: criteria provided, single submitter. Criteria: ACMG Guidelines, 2015. Collection method: clinical testing. Allele origin: germline. Affected: no.

Genome-Nilou Lab
Classification: Uncertain significance for Cardiomyopathy, familial restrictive, 3. Last evaluated: 2023-04-11. Review status: criteria provided, single submitter. Criteria: ACMG Guidelines, 2015. Collection method: clinical testing. Allele origin: germline. Affected: no.

Genome-Nilou Lab
Classification: Uncertain significance for Hypertrophic cardiomyopathy 2. Last evaluated: 2023-04-11. Review status: criteria provided, single submitter. Criteria: ACMG Guidelines, 2015. Collection method: clinical testing. Allele origin: germline. Affected: no.

Mayo Clinic Laboratories, Mayo Clinic
Classification: Uncertain significance. Last evaluated: 2022-10-11. Review status: criteria provided, single submitter. Criteria: ACMG Guidelines, 2015. Collection method: clinical testing. Allele origin: germline. Observed: 1 variant allele.
Comment: BS4, PP3, PM2_supporting, PS3_supporting, PS4_moderate

Women's Health and Genetics/Laboratory Corporation of America, LabCorp
Classification: Uncertain significance. Last evaluated: 2022-05-31. Review status: criteria provided, single submitter. Criteria: LabCorp Variant Classification Summary - May 2015. Collection method: clinical testing. Allele origin: germline.
Comment: Variant summary: TNNT2 c.451C>T (p.Arg151Cys) results in a non-conservative amino acid change located in the Tm binding domain (Hershberger_2009) of the encoded protein sequence. Five of five in-silico tools predict a damaging effect of the variant on protein function. The variant allele was found at a frequency of 4e-06 in 250588 control chromosomes (gnomAD and publication data). The available data on variant occurrences in the general population are insufficient to allow any conclusion about variant significance. c.451C>T has been reported in the literature in individuals affected with dilated cardiomyopathy, hypertrophic cardiomyopathy and left ventricular noncompaction cardiomyopathy, as well as in unaffected individuals in one family (Hershberger_2008, Hershberger_2009, Walsh_2016, Ware_2018, Liu_2019, Mazzarotto_2020, Carnevale_2020). At least one functional study reports this variant results in decreased Ca2+ sensitivity in skinned cardiac muscle fibers (Hershberger_2009). Two ClinVar submitters (evaluation after 2014) cite the variant as uncertain significance. Based on the evidence outlined above, the variant was classified as uncertain significance.

Color Diagnostics, LLC DBA Color Health
Classification: Uncertain significance for Cardiomyopathy. Last evaluated: 2019-10-04. Review status: criteria provided, single submitter. Criteria: ACMG Guidelines, 2015. Collection method: clinical testing. Allele origin: germline.
Comment: This missense variant replaces arginine with cysteine at codon 151 of the TNNT2 protein. Computational prediction tool suggests that this variant may have deleterious impact on protein structure and function (internally defined REVEL score threshold ≥0.7, PMID: 27666373). Splice site prediction tools suggest that this variant may not impact RNA splicing. To our knowledge, functional studies have not been performed for this variant. This variant has been reported in an individual affected with hypertrophic cardiomyopathy (PMID: 27532257) and in two individuals affected with dilated cardiomyopathy (PMID: 19412328, 21483645). This variant has been identified in 1/248806 chromosomes in the general population by the Genome Aggregation Database (gnomAD). The available evidence is insufficient to determine the role of this variant in disease conclusively. Therefore, this variant is classified as a Variant of Uncertain Significance.

Literature cited by the submitters: PubMed 20031601 (cited by 4 submitters); PubMed 27532257 (cited by 4 submitters); PubMed 31648988 (cited by 3 submitters); PubMed 31918855 (cited by 4 submitters); PubMed 31983221 (cited by 4 submitters); PubMed 25741917 (cited by Lildballe Lab, Aarhus University Hospital); PubMed 39481677 (cited by Lildballe Lab, Aarhus University Hospital); PubMed 19412328 (cited by 3 submitters); PubMed 29773157 (cited by Ambry Genetics and Women's Health and Genetics/Laboratory Corporation of America, LabCorp); PubMed 21483645 (cited by Mayo Clinic Laboratories, Mayo Clinic and Women's Health and Genetics/Laboratory Corporation of America, LabCorp); PubMed 20973921 (cited by Women's Health and Genetics/Laboratory Corporation of America, LabCorp); PubMed 22337857 (cited by Women's Health and Genetics/Laboratory Corporation of America, LabCorp); PubMed 27576561 (cited by Women's Health and Genetics/Laboratory Corporation of America, LabCorp); PubMed 32969603 (cited by Women's Health and Genetics/Laboratory Corporation of America, LabCorp); PubMed 19914256 (cited by Women's Health and Genetics/Laboratory Corporation of America, LabCorp).

NM_001276345.2(TNNT2):c.481C>T (p.Arg161Cys)

Gene: TNNT2 (troponin T2, cardiac type; minus strand). Cytogenetic location: 1q32.1.
Variant type: single nucleotide variant.
Coding change: c.481C>T on transcript NM_001276345.2 (MANE Select); coding-DNA position 481, C replaced by T.
Protein change: p.Arg161Cys; replaces arginine 161 with cysteine.
Molecular consequence: missense variant.
Genome position (GRCh38, 1-based): chr1:201,364,306, G>A on the plus strand (C>T on the coding strand, the complement: TNNT2 is on the minus strand). VCF-style: chr1-201364306-G-A. GRCh37 (hg19) VCF-style: chr1-201333434-G-A.
Other names: p.Arg151Cys; c.481C>T, p.Arg161Cys (NM_000364.4); c.451C>T, p.Arg151Cys (NM_001001430.3, NM_001001431.3, NM_001276347.2); c.436C>T, p.Arg146Cys (NM_001001432.3); c.361C>T, p.Arg121Cys (NM_001276346.2); c.481C>T (NM_000364.2); short protein forms R161C, R151C, R146C, R121C.
Identifiers: ClinVar variation 537256 (VCV000537256.24), dbSNP rs45608937, ClinGen allele CA35422464.